The following is an entry in ClinVar:

ClinVar aggregate classification (germline): Benign/Likely benign. Review status: criteria provided, multiple submitters, no conflicts (2 of 4 stars). 6 submissions from 2 submitters: Benign (4); Likely benign (2). Last evaluated 2024-06-26.

Conditions:
Craniosynostosis syndrome. Also called: Craniosynostosis. Identifiers: Orphanet 1531, MedGen C0010278, MeSH D003398, MONDO:0015469, HP:0001363.
Beare-Stevenson cutis gyrata syndrome (BSTVS). Identifiers: Orphanet 1555, MedGen C1852406, MONDO:0007412, OMIM 123790.
Crouzon syndrome. Also called: CRANIOFACIAL DYSOSTOSIS, TYPE I; Craniofacial dysostosis; Craniofacial dysostosis type 1; Crouzon craniofacial dysostosis; Crouzon disease. Identifiers: Orphanet 207, MedGen C0010273, MeSH D003394, MONDO:0007405, OMIM 123500, HP:0004439.
Isolated Coronal Synostosis. Identifiers: MedGen CN043619.
Saethre-Chotzen syndrome (SCS). Also called: ACROCEPHALY, SKULL ASYMMETRY, AND MILD SYNDACTYLY; ACS III; CHOTZEN SYNDROME. Identifiers: Orphanet 794, MedGen C0175699, MONDO:0007042, OMIM 101400.

Allele frequency attached by ClinVar (database versions not stated): gnomAD exomes 0.00035 and 0.00084; ExAC 0.00225; ESP Exome Variant Server 0.00285; gnomAD 0.00335 and 0.00359; TOPMed 0.00378; 1000 Genomes Project 0.00439; 1000 Genomes Project 30x 0.00531.
gnomAD v4.1: 1,021 of 1,555,332 alleles (0.066%); highest among the groups gnomAD compares: African/African-American, 1.1%; 5 homozygotes.

Submissions (10):

Blueprint Genetics
Classification: Likely benign. Last evaluated: 2024-06-26. Review status: criteria provided, single submitter. Criteria: ACMG Guidelines, 2015. Collection method: clinical testing. Allele origin: germline.

Illumina Laboratory Services, Illumina
Classification: Benign for Craniosynostosis. Last evaluated: 2018-01-13. Review status: criteria provided, single submitter. Criteria: ICSL Variant Classification Criteria 13 December 2019. Collection method: clinical testing. Allele origin: germline.
Comment: This variant was observed in the ICSL laboratory as part of a predisposition screen in an ostensibly healthy population. It had not been previously curated by ICSL or reported in the Human Gene Mutation Database (HGMD: prior to June 1st, 2018), and was therefore a candidate for classification through an automated scoring system. Utilizing variant allele frequency, disease prevalence and penetrance estimates, and inheritance mode, an automated score was calculated to assess if this variant is too frequent to cause the disease. Based on the score and internal cut-off values, a variant classified as benign is not then subjected to further curation. The score for this variant resulted in a classification of benign for this disease.

Illumina Laboratory Services, Illumina
Classification: Benign for Crouzon syndrome. Last evaluated: 2018-01-13. Review status: criteria provided, single submitter. Criteria: ICSL Variant Classification Criteria 13 December 2019. Collection method: clinical testing. Allele origin: germline.
Comment: the same text as in the submission from Illumina Laboratory Services, Illumina above.

Illumina Laboratory Services, Illumina
Classification: Likely benign for Isolated coronal synostosis. Last evaluated: 2018-01-13. Review status: criteria provided, single submitter. Criteria: ICSL Variant Classification Criteria 13 December 2019. Collection method: clinical testing. Allele origin: germline.
Comment: This variant was observed in the ICSL laboratory as part of a predisposition screen in an ostensibly healthy population. It had not been previously curated by ICSL or reported in the Human Gene Mutation Database (HGMD: prior to June 1st, 2018), and was therefore a candidate for classification through an automated scoring system. Utilizing variant allele frequency, disease prevalence and penetrance estimates, and inheritance mode, an automated score was calculated to assess if this variant is too frequent to cause the disease. Based on the score and internal cut-off values, a variant classified as likely benign is not then subjected to further curation. The score for this variant resulted in a classification of likely benign for this disease.

Illumina Laboratory Services, Illumina
Classification: Benign for Saethre-Chotzen syndrome. Last evaluated: 2018-01-13. Review status: criteria provided, single submitter. Criteria: ICSL Variant Classification Criteria 13 December 2019. Collection method: clinical testing. Allele origin: germline.
Comment: the same text as in the submission from Illumina Laboratory Services, Illumina above.

Illumina Laboratory Services, Illumina
Classification: Benign for Beare-Stevenson cutis gyrata syndrome. Last evaluated: 2018-01-13. Review status: criteria provided, single submitter. Criteria: ICSL Variant Classification Criteria 13 December 2019. Collection method: clinical testing. Allele origin: germline.
Comment: the same text as in the submission from Illumina Laboratory Services, Illumina above.

Dr. Peter K. Rogan Lab, Western University
No classification provided (evidence only). Condition: Uterine corpus endometrial carcinoma. Review status: no classification provided. Collection method: in vitro. Allele origin: not applicable. Functional consequence: retained intron. Not counted in ClinVar's aggregate classification.

Dr. Peter K. Rogan Lab, Western University
No classification provided (evidence only). Condition: Uterine corpus endometrial carcinoma. Review status: no classification provided. Collection method: in vitro. Allele origin: not applicable. Functional consequence: retained intron. Not counted in ClinVar's aggregate classification.

Dr. Peter K. Rogan Lab, Western University
No classification provided (evidence only). Condition: Cervical cancer. Review status: no classification provided. Collection method: in vitro. Allele origin: not applicable. Functional consequence: retained intron. Not counted in ClinVar's aggregate classification.

Dr. Peter K. Rogan Lab, Western University
No classification provided (evidence only). Condition: Cervical cancer. Review status: no classification provided. Collection method: in vitro. Allele origin: not applicable. Functional consequence: retained intron. Not counted in ClinVar's aggregate classification.

NM_000141.5(FGFR2):c.*184C>T

Gene: FGFR2 (fibroblast growth factor receptor 2; minus strand). Cytogenetic location: 10q26.13.
Variant type: single nucleotide variant.
Coding change: c.*184C>T on transcript NM_000141.5 (MANE Select); 184 bases downstream of the stop codon, C replaced by T.
Molecular consequence: 3 prime UTR variant. On other transcripts: non-coding transcript variant (1), intron variant (1).
Genome position (GRCh38, 1-based): chr10:121,479,673, G>A on the plus strand (C>T on the coding strand, the complement: FGFR2 is on the minus strand). VCF-style: chr10-121479673-G-A. GRCh37 (hg19) VCF-style: chr10-123239187-G-A.
Other names: NC_000010.10:g.123239187G>A; c.*184C>T (NM_001144914.1, NM_001144916.2, NM_001144917.2 and 5 more transcripts); c.2035-3C>T (NM_001144915.2).
Identifiers: ClinVar variation 298993 (VCV000298993.7), dbSNP rs4647917, ClinGen allele CA5720424.
Genomic context (GRCh38, chr10:121,479,673, plus strand): 5'-GAGAGGGGTTACATGGTGGCTTGTGGCAGTCCACTGCTCCAGAAACCTTCTTCTCCTCCT[G>A]GGGAAGATTACAAGTTTTCAACTGTATAAATCTTTACACATATGCTGATTACTTTTCCAA-3'